The following is an entry in ClinVar:

NC_000016.9:g.(?_75661793)_(75690509_?)dup

Genes: KARS1 (lysyl-tRNA synthetase 1; minus strand), TERF2IP (TERF2 interacting protein; plus strand). Cytogenetic location: 16q23.1.
Variant type: Duplication.
Identifiers: ClinVar variation 1682046 (VCV001682046.1).

ClinVar aggregate classification (germline): Uncertain significance (1 of 4 stars; one submission).

Submission:

Labcorp Genetics (formerly Invitae), Labcorp
Classification: Uncertain significance. Last evaluated: 2021-04-14. Review status: criteria provided, single submitter. Criteria: Invitae Variant Classification Sherloc (09022015). Collection method: clinical testing. Allele origin: germline.
Comment: A copy number gain of the genomic region encompassing the full coding sequence of the KARS gene has been identified. The boundaries of this event are unknown as they extend beyond the assayed region for this gene and therefore may encompass additional genes. As the precise location of this event is unknown, it may be in tandem or it may be located elsewhere in the genome. This variant has not been reported in the literature in individuals with KARS-related conditions. In summary, the available evidence is currently insufficient to determine the role of this variant in disease. Therefore, it has been classified as a Variant of Uncertain Significance.